The following is an entry in ClinVar:

ClinVar aggregate classification (germline): Uncertain significance. Review status: criteria provided, multiple submitters, no conflicts (2 of 4 stars). 3 submissions from 3 submitters: Uncertain significance (3). Last evaluated 2024-10-24.

Conditions:
Ehlers-Danlos syndrome, kyphoscoliotic type, 2. Also called: Ehlers-Danlos syndrome, kyphoscoliotic and deafness type; FKBP14-Kyphoscoliotic Ehlers-Danlos Syndrome; Ehlers-Danlos syndrome with progressive kyphoscoliosis, myopathy, and hearing loss. Identifiers: Orphanet 300179, MedGen C3281160, MONDO:0013800, OMIM 614557.
Cardiovascular phenotype. Identifiers: MedGen CN230736.

Allele frequency attached by ClinVar (database versions not stated): TOPMed 0.00001; ExAC 0.00002; gnomAD 0.00002.
gnomAD v4.1: 19 of 1,614,020 alleles (0.0012%); highest among the groups gnomAD compares: Non-Finnish European, 0.00051%; no homozygotes.

Submissions (3):

Labcorp Genetics (formerly Invitae), Labcorp
Classification: Uncertain significance for Ehlers-Danlos syndrome, kyphoscoliotic type, 2. Last evaluated: 2024-10-24. Review status: criteria provided, single submitter. Criteria: Invitae Variant Classification Sherloc (09022015). Collection method: clinical testing. Allele origin: germline.
Comment: This sequence change replaces isoleucine, which is neutral and non-polar, with threonine, which is neutral and polar, at codon 105 of the FKBP14 protein (p.Ile105Thr). This variant is present in population databases (rs765841495, gnomAD 0.02%). This variant has not been reported in the literature in individuals affected with FKBP14-related conditions. ClinVar contains an entry for this variant (Variation ID: 1335662). An algorithm developed to predict the effect of missense changes on protein structure and function (PolyPhen-2) suggests that this variant is likely to be disruptive. In summary, the available evidence is currently insufficient to determine the role of this variant in disease. Therefore, it has been classified as a Variant of Uncertain Significance.

Ambry Genetics
Classification: Uncertain significance for Cardiovascular phenotype. Last evaluated: 2023-04-07. Review status: criteria provided, single submitter. Criteria: Ambry Variant Classification Scheme 2023. Collection method: clinical testing. Allele origin: germline.
Comment: The p.I105T variant (also known as c.314T>C), located in coding exon 2 of the FKBP14 gene, results from a T to C substitution at nucleotide position 314. The isoleucine at codon 105 is replaced by threonine, an amino acid with similar properties. This amino acid position is conserved. In addition, this alteration is predicted to be deleterious by in silico analysis. Since supporting evidence is limited at this time, the clinical significance of this alteration remains unclear.

CeGaT Center for Human Genetics Tuebingen
Classification: Uncertain significance. Last evaluated: 2021-10-01. Review status: criteria provided, single submitter. Criteria: CeGaT Center For Human Genetics Tuebingen Variant Classification Criteria Version 2. Collection method: clinical testing. Allele origin: germline. Affected: yes. Observed: 1 variant allele.

NM_017946.4(FKBP14):c.314T>C (p.Ile105Thr)

Genes: FKBP14 (FKBP prolyl isomerase 14; minus strand), FKBP14-AS1 (FKBP14 antisense RNA 1; plus strand). Cytogenetic location: 7p14.3.
Variant type: single nucleotide variant.
Coding change: c.314T>C on transcript NM_017946.4 (MANE Select); coding-DNA position 314, T replaced by C.
Protein change: p.Ile105Thr; replaces isoleucine 105 with threonine.
Molecular consequence: missense variant. On other transcripts: non-coding transcript variant (1).
Genome position (GRCh38, 1-based): chr7:30,022,700, A>G on the plus strand (T>C on the coding strand, the complement: FKBP14 is on the minus strand). VCF-style: chr7-30022700-A-G. GRCh37 (hg19) VCF-style: chr7-30062316-A-G.
Other names: c.314T>C (NM_017946.2); short protein forms I105T.
Identifiers: ClinVar variation 1335662 (VCV001335662.39), dbSNP rs765841495, ClinGen allele CA4203440.